The following is an entry in ClinVar:

ClinVar aggregate classification (germline): Pathogenic (1 of 4 stars; one submission).

Submission:

GeneDx
Classification: Pathogenic. Last evaluated: 2026-09-20. Review status: criteria provided, single submitter. Criteria: GeneDx Variant Classification Process June 2021. Collection method: clinical testing. Allele origin: germline.
Comment: Not observed at significant frequency in large population cohorts (gnomAD); In silico analysis supports that this missense variant has a deleterious effect on protein structure/function; This variant is associated with the following publications: (PMID: 35982159, 33057194)

NM_001693.4(ATP6V1B2):c.925G>A (p.Glu309Lys)

Gene: ATP6V1B2 (ATPase H+ transporting V1 subunit B2; plus strand). Cytogenetic location: 8p21.3.
Variant type: single nucleotide variant.
Coding change: c.925G>A on transcript NM_001693.4 (MANE Select); coding-DNA position 925, G replaced by A.
Protein change: p.Glu309Lys; replaces glutamic acid 309 with lysine.
Molecular consequence: missense variant.
Genome position (GRCh38, 1-based): chr8:20,212,903, G>A. VCF-style: chr8-20212903-G-A. GRCh37 (hg19) VCF-style: chr8-20070414-G-A.
Other names: short protein forms E309K.
Identifiers: ClinVar variation 430256 (VCV000430256.3), dbSNP rs1131691864, ClinGen allele CA370472698.